The following is an entry in ClinVar:

NM_024649.5(BBS1):c.424G>T (p.Ala142Ser)

Gene: BBS1 (Bardet-Biedl syndrome 1; plus strand). Cytogenetic location: 11q13.2.
Variant type: single nucleotide variant.
Coding change: c.424G>T on transcript NM_024649.5 (MANE Select); coding-DNA position 424, G replaced by T.
Protein change: p.Ala142Ser; replaces alanine 142 with serine.
Molecular consequence: missense variant.
Genome position (GRCh38, 1-based): chr11:66,514,670, G>T. VCF-style: chr11-66514670-G-T. GRCh37 (hg19) VCF-style: chr11-66282141-G-T.
Other names: c.424G>T (NM_024649.4); short protein forms A142S.
Identifiers: ClinVar variation 2079933 (VCV002079933.4), dbSNP rs939185578, ClinGen allele CA224073278.
Genomic context (GRCh38, chr11:66,514,670, plus strand): 5'-TTCAAGTTCAGCCTGCCCCAATTGCCTCCAAATCCTCTGGAACAAGACCTTTGGAACCAG[G>T]CCAAAGAGGTAAATAAATAACATGGGAGTTGGGAACCAGAAGGCAAAGATGGCAGCCACT-3'
Protein context (NP_078925.3, residues 132-152): NPLEQDLWNQ[Ala142Ser]KEDRIDPLTL

ClinVar aggregate classification (germline): Uncertain significance. Review status: criteria provided, multiple submitters, no conflicts (2 of 4 stars). 4 submissions from 4 submitters: Uncertain significance (4). Last evaluated 2024-05-21.

Conditions:
Inborn genetic diseases. Identifiers: MedGen C0950123, MeSH D030342.
Bardet-Biedl syndrome (BBS). Identifiers: Orphanet 110, MedGen C0752166, MONDO:0015229.
Bardet-Biedl syndrome 1 (BBS1). Identifiers: MedGen C2936862, MONDO:0008854, OMIM 209900. Disease mechanism: loss of function.

Allele frequency attached by ClinVar (database versions not stated): gnomAD exomes 0.00001; TOPMed 0.00002; gnomAD 0.00003.
gnomAD v4.1: 15 of 1,611,518 alleles (0.00093%); highest among the groups gnomAD compares: South Asian, 0.0011%; no homozygotes.

Submissions (4):

Ambry Genetics
Classification: Uncertain significance for Inborn genetic diseases. Last evaluated: 2024-05-21. Review status: criteria provided, single submitter. Criteria: Ambry Variant Classification Scheme 2023. Collection method: clinical testing. Allele origin: germline.

Fulgent Genetics
Classification: Uncertain significance for Bardet-Biedl syndrome 1. Last evaluated: 2024-04-20. Review status: criteria provided, single submitter. Criteria: ACMG Guidelines, 2015. Collection method: clinical testing. Allele origin: germline.

Labcorp Genetics (formerly Invitae), Labcorp
Classification: Uncertain significance for Bardet-Biedl syndrome. Last evaluated: 2022-02-24. Review status: criteria provided, single submitter. Criteria: Invitae Variant Classification Sherloc (09022015). Collection method: clinical testing. Allele origin: germline.
Comment: This sequence change replaces alanine, which is neutral and non-polar, with serine, which is neutral and polar, at codon 142 of the BBS1 protein (p.Ala142Ser). This variant is present in population databases (no rsID available, gnomAD 0.02%). This variant has not been reported in the literature in individuals affected with BBS1-related conditions. Algorithms developed to predict the effect of missense changes on protein structure and function (SIFT, PolyPhen-2, Align-GVGD) all suggest that this variant is likely to be tolerated. In summary, the available evidence is currently insufficient to determine the role of this variant in disease. Therefore, it has been classified as a Variant of Uncertain Significance.

Blueprint Genetics
Classification: Uncertain significance. Last evaluated: 2021-02-08. Review status: criteria provided, single submitter. Criteria: ACMG Guidelines, 2015. Collection method: clinical testing. Allele origin: germline.